The following is an entry in ClinVar:

NM_002074.5(GNB1):c.971G>A (p.Gly324Asp)

Gene: GNB1 (G protein subunit beta 1; minus strand). Cytogenetic location: 1p36.33.
Variant type: single nucleotide variant.
Coding change: c.971G>A on transcript NM_002074.5 (MANE Select); coding-DNA position 971, G replaced by A.
Protein change: p.Gly324Asp; replaces glycine 324 with aspartic acid.
Molecular consequence: missense variant.
Genome position (GRCh38, 1-based): chr1:1,787,383, C>T on the plus strand (G>A on the coding strand, the complement: GNB1 is on the minus strand). VCF-style: chr1-1787383-C-T. GRCh37 (hg19) VCF-style: chr1-1718822-C-T.
Other names: c.671G>A, p.Gly224Asp (NM_001282538.2); c.971G>A, p.Gly324Asp (NM_001282539.2); short protein forms G224D, G324D.
Identifiers: ClinVar variation 2845761 (VCV002845761.3), dbSNP rs2522094277, ClinGen allele CA337902157.

ClinVar aggregate classification (germline): Uncertain significance (1 of 4 stars; one submission).

Submission:

Labcorp Genetics (formerly Invitae), Labcorp
Classification: Uncertain significance. Last evaluated: 2023-03-14. Review status: criteria provided, single submitter. Criteria: Invitae Variant Classification Sherloc (09022015). Collection method: clinical testing. Allele origin: germline.
Comment: This variant has not been reported in the literature in individuals affected with GNB1-related conditions. This variant is not present in population databases (gnomAD no frequency). This sequence change replaces glycine, which is neutral and non-polar, with aspartic acid, which is acidic and polar, at codon 324 of the GNB1 protein (p.Gly324Asp). In summary, the available evidence is currently insufficient to determine the role of this variant in disease. Therefore, it has been classified as a Variant of Uncertain Significance. Advanced modeling of protein sequence and biophysical properties (such as structural, functional, and spatial information, amino acid conservation, physicochemical variation, residue mobility, and thermodynamic stability) performed at Invitae indicates that this missense variant is expected to disrupt GNB1 protein function.